The following is an entry in ClinVar:

ClinVar aggregate classification (germline): Uncertain significance (1 of 4 stars; one submission).

Conditions:
Inborn genetic diseases. Identifiers: MedGen C0950123, MeSH D030342.

Submission:

Ambry Genetics
Classification: Uncertain significance for Inborn genetic diseases. Last evaluated: 2024-12-29. Review status: criteria provided, single submitter. Criteria: Ambry Variant Classification Scheme 2023. Collection method: clinical testing. Allele origin: germline.
Comment: The p.E758K variant (also known as c.2272G>A), located in coding exon 17 of the BUB1B gene, results from a G to A substitution at nucleotide position 2272. The glutamic acid at codon 758 is replaced by lysine, an amino acid with similar properties. This amino acid position is conserved. In addition, this alteration is predicted to be tolerated by in silico analysis. Based on the available evidence, the clinical significance of this variant remains unclear.

NM_001211.6(BUB1B):c.2272G>A (p.Glu758Lys)

Gene: BUB1B (BUB1 mitotic checkpoint serine/threonine kinase B; plus strand). Cytogenetic location: 15q15.1.
Variant type: single nucleotide variant.
Coding change: c.2272G>A on transcript NM_001211.6 (MANE Select); coding-DNA position 2272, G replaced by A.
Protein change: p.Glu758Lys; replaces glutamic acid 758 with lysine.
Molecular consequence: missense variant.
Genome position (GRCh38, 1-based): chr15:40,209,763, G>A. VCF-style: chr15-40209763-G-A. GRCh37 (hg19) VCF-style: chr15-40501964-G-A.
Other names: short protein forms E758K.
Identifiers: ClinVar variation 3826061 (VCV003826061.1).
Genomic context (GRCh38, chr15:40,209,763, plus strand): 5'-AGTGCCTCTGCAGAGTTGTGTATAGAAGACAGACCAATGCCTAAGTTGGAAATTGAGAAG[G>A]AAATTGAATTAGGTAAGTACCATTGAACTCATGTCCTCTGGTTCATGACAGTATACAAAT-3'
Protein context (NP_001202.5, residues 748-768): RPMPKLEIEK[Glu758Lys]IELGNEDYCI